The following is an entry in ClinVar:

NM_001171.6(ABCC6):c.3703C>T (p.Arg1235Trp)

Gene: ABCC6 (ATP binding cassette subfamily C member 6; minus strand). Cytogenetic location: 16p13.11.
Variant type: single nucleotide variant.
Coding change: c.3703C>T on transcript NM_001171.6 (MANE Select); coding-DNA position 3703, C replaced by T.
Protein change: p.Arg1235Trp; replaces arginine 1235 with tryptophan.
Molecular consequence: missense variant. On other transcripts: non-coding transcript variant (1).
Genome position (GRCh38, 1-based): chr16:16,159,514, G>A on the plus strand (C>T on the coding strand, the complement: ABCC6 is on the minus strand). VCF-style: chr16-16159514-G-A. GRCh37 (hg19) VCF-style: chr16-16253371-G-A.
Other names: c.3361C>T, p.Arg1121Trp (NM_001351800.1); short protein forms R1235W, R1121W.
Identifiers: ClinVar variation 433323 (VCV000433323.14), dbSNP rs63750402, ClinGen allele CA7925480.

ClinVar aggregate classification (germline): Pathogenic/Likely pathogenic. Review status: criteria provided, multiple submitters, no conflicts (2 of 4 stars). 7 submissions from 7 submitters: Pathogenic (2); Likely pathogenic (3). 2 of the submissions do not count toward it. Last evaluated 2026-03-20.

Conditions:
ABCC6-related disorder. Also called: ABCC6-related condition.
Arterial calcification, generalized, of infancy, 2. Identifiers: Orphanet 51608, MedGen C3276161, MONDO:0013768, OMIM 614473.
Autosomal recessive inherited pseudoxanthoma elasticum (PXE). Identifiers: Orphanet 758, MedGen CN032334, MONDO:0009925, OMIM 264800.
Pseudoxanthoma elasticum, forme fruste. Also called: Pseudoxanthoma Elasticum, Incomplete; PSEUDOXANTHOMA ELASTICUM, HETEROZYGOUS. Identifiers: Orphanet 758, MedGen C1867450, MONDO:0008333, OMIM 177850.
Type 2 diabetes mellitus. Also called: Type II diabetes mellitus. Identifiers: MedGen C0011860, MeSH D003924, MONDO:0005148, OMIM 125853, HP:0005978.

Allele frequency attached by ClinVar (database versions not stated): ExAC 0.00001; gnomAD exomes 0.00003; TOPMed 0.00005; 1000 Genomes Project 30x 0.00016; 1000 Genomes Project 0.00020.
gnomAD v4.1: 39 of 1,613,830 alleles (0.0024%); highest among the groups gnomAD compares: East Asian, 0.013%; no homozygotes.

Submissions (7):

PreventionGenetics, part of Exact Sciences
Classification: Likely pathogenic for ABCC6-related condition. Last evaluated: 2026-03-20. Review status: criteria provided, single submitter. Criteria: ACMG Guidelines, 2015. Collection method: clinical testing. Allele origin: germline.
Comment: The ABCC6 c.3703C>T variant is predicted to result in the amino acid substitution p.Arg1235Trp. This variant has been reported in the homozygous state in an individual with pseudoxanthoma elasticum (PXE; Miksch et al. 2005. PubMed ID: 16086317). This variant has also been reported in the compound heterozygous state with a second, splice-altering ABCC6 variant (c.1177-2A>G) in a pair of adult siblings with PXE who showed variable features and differences in overall disease severity (Sun et al. 2018. PubMed ID: 30328268). This variant has also been reported in the heterozygous state without a second ABCC6 variant in an individual with PXE and retinitis pigmentosa (Kim et al. 2021. PubMed ID: 33946315) and in an individual with premature coronary artery disease (CAD; Table S5, Teng et al. 2024. PubMed ID: 38297435). This variant has also been reported in the heterozygous state in an individual with features of PXE and a history of congenital arterial calcification syndrome, patellar instability, and mitral valve repair; however, this individual was also apparently homozygous for a pathogenic ABCC6 variant (p.Arg1314Trp) that would appear to provide a more likely genetic explanation for disease (Grover and Kochlar 2025. Meeting Abstract). This variant is reported in 0.020% of alleles in individuals of East Asian descent in gnomAD. This variant is interpreted as likely pathogenic.

Labcorp Genetics (formerly Invitae), Labcorp
Classification: Pathogenic. Last evaluated: 2025-04-14. Review status: criteria provided, single submitter. Criteria: Invitae Variant Classification Sherloc (09022015). Collection method: clinical testing. Allele origin: germline.
Comment: This sequence change replaces arginine, which is basic and polar, with tryptophan, which is neutral and slightly polar, at codon 1235 of the ABCC6 protein (p.Arg1235Trp). This variant is present in population databases (rs63750402, gnomAD 0.02%). This missense change has been observed in individual(s) with clinical features of pseudoxanthoma elasticum (PMID: 16086317, 30328268, 33946315). In at least one individual the data is consistent with being in trans (on the opposite chromosome) from a pathogenic variant. It has also been observed to segregate with disease in related individuals. ClinVar contains an entry for this variant (Variation ID: 433323). Invitae Evidence Modeling of protein sequence and biophysical properties (such as structural, functional, and spatial information, amino acid conservation, physicochemical variation, residue mobility, and thermodynamic stability) indicates that this missense variant is expected to disrupt ABCC6 protein function with a positive predictive value of 95%. For these reasons, this variant has been classified as Pathogenic.

Blueprint Genetics
Classification: Pathogenic for ABCC6-related disorders. Last evaluated: 2024-07-02. Review status: criteria provided, single submitter. Criteria: ACMG Guidelines, 2015. Collection method: clinical testing. Allele origin: germline. Affected: yes. Observed: 5 variant alleles.

Fulgent Genetics
Classification: Likely pathogenic for Pseudoxanthoma elasticum, forme fruste; Autosomal recessive inherited pseudoxanthoma elasticum; Arterial calcification, generalized, of infancy, 2. Last evaluated: 2024-03-13. Review status: criteria provided, single submitter. Criteria: ACMG Guidelines, 2015. Collection method: clinical testing. Allele origin: germline.

Juno Genomics, Hangzhou Juno Genomics, Inc
Classification: Likely pathogenic for Arterial calcification, generalized, of infancy, 2; Autosomal recessive inherited pseudoxanthoma elasticum; Pseudoxanthoma elasticum, forme fruste. Review status: criteria provided, single submitter. Criteria: ACMG Guidelines, 2015. Collection method: clinical testing. Allele origin: germline.
Comment: Absent from controls (or at extremely low frequency if recessive) in Genome Aggregation Database.;Multiple lines of computational evidence support a deleterious effect on the gene or gene product.;For recessive disorders, detected in trans with a pathogenic variant.;Patient's phenotype or family history is highly specific for a disease with a single genetic etiology.

Gene Friend Way, National Innovation Center
Classification: Likely pathogenic for Type 2 diabetes mellitus. Last evaluated: 2025-01-01. Review status: no assertion criteria provided. Collection method: clinical testing. Allele origin: unknown. Affected: yes. Observed: 1 variant allele. Not counted in ClinVar's aggregate classification.
Comment: In silico analysis showed that this missense variant has been expected to disrupt ABCC6 protein function. ABCC6 dysfunction could contribute to metabolic disturbances associated with diabetes (PMID: 23248644). ABCC6 dysfunction promotes dyslipidemia and atherosclerosis (PMID: 33594095).

PXE International
Classification: Likely pathogenic for Autosomal recessive inherited pseudoxanthoma elasticum. Last evaluated: 2021-03-01. Review status: no assertion criteria provided. Collection method: research. Allele origin: germline. Inheritance: Autosomal recessive inheritance. Affected: yes. Not counted in ClinVar's aggregate classification.

Literature cited by the submitters: PubMed 16086317 (cited by Labcorp Genetics (formerly Invitae), Labcorp and PXE International); PubMed 30328268 (cited by Labcorp Genetics (formerly Invitae), Labcorp); PubMed 33946315 (cited by Labcorp Genetics (formerly Invitae), Labcorp); PubMed 23248644 (cited by Gene Friend Way, National Innovation Center); PubMed 33594095 (cited by Gene Friend Way, National Innovation Center); PubMed 32873932 (cited by PXE International).